The following is an entry in ClinVar:

NM_006904.7(PRKDC):c.7562T>A (p.Ile2521Asn)

Gene: PRKDC (protein kinase, DNA-activated, catalytic subunit; minus strand). Cytogenetic location: 8q11.21.
Variant type: single nucleotide variant.
Coding change: c.7562T>A on transcript NM_006904.7 (MANE Select); coding-DNA position 7562, T replaced by A.
Protein change: p.Ile2521Asn; replaces isoleucine 2521 with asparagine.
Molecular consequence: missense variant.
Genome position (GRCh38, 1-based): chr8:47,837,411, A>T on the plus strand (T>A on the coding strand, the complement: PRKDC is on the minus strand). VCF-style: chr8-47837411-A-T. GRCh37 (hg19) VCF-style: chr8-48749972-A-T.
Other names: c.7562T>A, p.Ile2521Asn (NM_001081640.2); short protein forms I2521N.
Identifiers: ClinVar variation 3225910 (VCV003225910.1), dbSNP rs2551867537, ClinGen allele CA371153587.

ClinVar aggregate classification (germline): Uncertain significance (1 of 4 stars; one submission).

Submission:

Ambry Genetics
Classification: Uncertain significance. Last evaluated: 2023-10-06. Review status: criteria provided, single submitter. Criteria: Ambry Variant Classification Scheme 2023. Collection method: clinical testing. Allele origin: germline.
Comment: The p.I2521N variant (also known as c.7562T>A), located in coding exon 57 of the PRKDC gene, results from a T to A substitution at nucleotide position 7562. The isoleucine at codon 2521 is replaced by asparagine, an amino acid with dissimilar properties. This amino acid position is conserved. Since supporting evidence is limited at this time, the clinical significance of this alteration remains unclear.